The following is an entry in ClinVar:

NM_004415.4(DSP):c.6679dup (p.Ile2227fs)

Gene: DSP (desmoplakin; plus strand). Cytogenetic location: 6p24.3.
Variant type: Duplication.
Coding change: c.6679dup on transcript NM_004415.4 (MANE Select); coding-DNA position 6679, one base duplicated (A; older notation c.6679dupA).
Protein change: p.Ile2227fs; shifts the reading frame from isoleucine 2227.
Molecular consequence: frameshift variant.
Genome position (GRCh38, 1-based): chr6:7,583,941, A duplicated. VCF-style (leftmost placement, unchanged base first): chr6-7583940-T-TA. GRCh37 (hg19) VCF-style: chr6-7584173-T-TA.
Other names: c.4882dup, p.Ile1628fs (NM_001008844.3); c.5350dup, p.Ile1784fs (NM_001319034.2); short protein forms I2227fs, I1628fs, I1784fs.
Identifiers: ClinVar variation 4788684 (VCV004788684.1).

ClinVar aggregate classification (germline): Pathogenic (1 of 4 stars; one submission).

Conditions:
Arrhythmogenic right ventricular dysplasia 8 (ARVD8). Also called: Arrhythmogenic Right Ventricular Dysplasia/Cardiomyopathy 8; ARRHYTHMOGENIC RIGHT VENTRICULAR DYSPLASIA, FAMILIAL, 8; ARRHYTHMOGENIC RIGHT VENTRICULAR CARDIOMYOPATHY 8. Identifiers: MedGen C1843896, MONDO:0011831, OMIM 607450.
Arrhythmogenic cardiomyopathy with wooly hair and keratoderma. Also called: Arrhythmogenic cardiomyopathy with woolly hair and keratoderma; PALMOPLANTAR KERATODERMA WITH LEFT VENTRICULAR CARDIOMYOPATHY AND WOOLLY HAIR; Carvajal syndrome; Dilated cardiomyopathy with woolly hair and keratoderma. Identifiers: Orphanet 65282, MedGen C1854063, MONDO:0011581, OMIM 605676.

Submission:

Labcorp Genetics (formerly Invitae), Labcorp
Classification: Pathogenic for Arrhythmogenic cardiomyopathy with wooly hair and keratoderma; Arrhythmogenic right ventricular dysplasia 8. Last evaluated: 2025-11-06. Review status: criteria provided, single submitter. Criteria: Invitae Variant Classification Sherloc (09022015). Collection method: clinical testing. Allele origin: germline.
Comment: This sequence change creates a premature translational stop signal (p.Ile2227Asnfs*9) in the DSP gene. While this is not anticipated to result in nonsense mediated decay, it is expected to disrupt the last 645 amino acid(s) of the DSP protein. This variant is not present in population databases (gnomAD no frequency). This variant has not been reported in the literature in individuals affected with DSP-related conditions. This variant disrupts a region of the DSP protein in which other variant(s) (p.Gln2730Serfs*16) have been determined to be pathogenic (PMID: 27532257, 28527814). This suggests that this is a clinically significant region of the protein, and that variants that disrupt it are likely to be disease-causing. For these reasons, this variant has been classified as Pathogenic.

Literature cited by the submitters: PubMed 27532257; PubMed 28527814.